The following is an entry in ClinVar:

ClinVar aggregate classification (germline): Uncertain significance (1 of 4 stars; one submission).

Conditions:
Gastrointestinal stromal tumor. Also called: Gastrointestinal stromal tumor, somatic; Gastrointestinal stroma tumor. Identifiers: Orphanet 44890, MedGen C0238198, MeSH D046152, MONDO:0011719, OMIM 606764, HP:0100723.

Submission:

Labcorp Genetics (formerly Invitae), Labcorp
Classification: Uncertain significance for Gastrointestinal stromal tumor. Last evaluated: 2023-02-21. Review status: criteria provided, single submitter. Criteria: Invitae Variant Classification Sherloc (09022015). Collection method: clinical testing. Allele origin: germline.
Comment: In summary, the available evidence is currently insufficient to determine the role of this variant in disease. Therefore, it has been classified as a Variant of Uncertain Significance. Advanced modeling of protein sequence and biophysical properties (such as structural, functional, and spatial information, amino acid conservation, physicochemical variation, residue mobility, and thermodynamic stability) performed at Invitae indicates that this missense variant is not expected to disrupt PDGFRA protein function. This variant has not been reported in the literature in individuals affected with PDGFRA-related conditions. This variant is not present in population databases (gnomAD no frequency). This sequence change replaces asparagine, which is neutral and polar, with lysine, which is basic and polar, at codon 240 of the PDGFRA protein (p.Asn240Lys).

NM_006206.6(PDGFRA):c.720T>G (p.Asn240Lys)

Gene: PDGFRA (platelet derived growth factor receptor alpha; plus strand). Cytogenetic location: 4q12.
Variant type: single nucleotide variant.
Coding change: c.720T>G on transcript NM_006206.6 (MANE Select); coding-DNA position 720, T replaced by G.
Protein change: p.Asn240Lys; replaces asparagine 240 with lysine.
Molecular consequence: missense variant.
Genome position (GRCh38, 1-based): chr4:54,265,010, T>G. VCF-style: chr4-54265010-T-G. GRCh37 (hg19) VCF-style: chr4-55131177-T-G.
Other names: c.720T>G, p.Asn240Lys (NM_001347827.2, NM_001347829.2); c.795T>G, p.Asn265Lys (NM_001347828.2); c.759T>G, p.Asn253Lys (NM_001347830.2); short protein forms N253K, N265K, N240K.
Identifiers: ClinVar variation 2839327 (VCV002839327.3), dbSNP rs768535525, ClinGen allele CA356890948.